The following is an entry in ClinVar:

ClinVar aggregate classification (germline): Uncertain significance. Review status: criteria provided, multiple submitters, no conflicts (2 of 4 stars). 3 submissions from 3 submitters: Uncertain significance (3). Last evaluated 2025-12-22.

Conditions:
Cardiovascular phenotype. Identifiers: MedGen CN230736.
Legius syndrome. Identifiers: Orphanet 137605, MedGen C1969623, MONDO:0012669, OMIM 611431. Disease mechanism: loss of function.

Allele frequency attached by ClinVar (database versions not stated): gnomAD exomes below 0.00001.
gnomAD v4.1: 2 of 1,614,094 alleles (0.00012%); highest among the groups gnomAD compares: Non-Finnish European, 0.00017%; no homozygotes.

Submissions (3):

Women's Health and Genetics/Laboratory Corporation of America, LabCorp
Classification: Uncertain significance. Last evaluated: 2025-12-22. Review status: criteria provided, single submitter. Criteria: LabCorp Variant Classification Summary - May 2015. Collection method: clinical testing. Allele origin: germline.
Comment: Variant summary: SPRED1 c.1189G>A (p.Asp397Asn) results in a conservative amino acid change in the encoded protein sequence. Algorithms developed to predict the effect of missense changes on protein structure and function are either unavailable or do not agree on the potential impact of this missense change. The variant was absent in 251246 control chromosomes. The available data on variant occurrences in the general population are insufficient to allow any conclusion about variant significance. To our knowledge, no occurrence of c.1189G>A in individuals affected with SPRED1-related conditions and no experimental evidence demonstrating its impact on protein function have been reported. ClinVar contains an entry for this variant (Variation ID: 1022058). Based on the evidence outlined above, the variant was classified as uncertain significance.

Ambry Genetics
Classification: Uncertain significance for Cardiovascular phenotype. Last evaluated: 2025-01-27. Review status: criteria provided, single submitter. Criteria: Ambry Variant Classification Scheme 2023. Collection method: clinical testing. Allele origin: germline.
Comment: The p.D397N variant (also known as c.1189G>A), located in coding exon 7 of the SPRED1 gene, results from a G to A substitution at nucleotide position 1189. The aspartic acid at codon 397 is replaced by asparagine, an amino acid with highly similar properties. This amino acid position is conserved. In addition, this alteration is predicted to be tolerated by in silico analysis. Based on the available evidence, the clinical significance of this variant remains unclear.

Labcorp Genetics (formerly Invitae), Labcorp
Classification: Uncertain significance for Legius syndrome. Last evaluated: 2022-08-23. Review status: criteria provided, single submitter. Criteria: Invitae Variant Classification Sherloc (09022015). Collection method: clinical testing. Allele origin: germline.
Comment: This sequence change replaces aspartic acid, which is acidic and polar, with asparagine, which is neutral and polar, at codon 397 of the SPRED1 protein (p.Asp397Asn). This variant is not present in population databases (gnomAD no frequency). This variant has not been reported in the literature in individuals affected with SPRED1-related conditions. ClinVar contains an entry for this variant (Variation ID: 1022058). Algorithms developed to predict the effect of missense changes on protein structure and function are either unavailable or do not agree on the potential impact of this missense change (SIFT: "Deleterious"; PolyPhen-2: "Possibly Damaging"; Align-GVGD: "Class C0"). In summary, the available evidence is currently insufficient to determine the role of this variant in disease. Therefore, it has been classified as a Variant of Uncertain Significance.

NM_152594.3(SPRED1):c.1189G>A (p.Asp397Asn)

Gene: SPRED1 (sprouty related EVH1 domain containing 1; plus strand). Cytogenetic location: 15q14.
Variant type: single nucleotide variant.
Coding change: c.1189G>A on transcript NM_152594.3 (MANE Select); coding-DNA position 1189, G replaced by A.
Protein change: p.Asp397Asn; replaces aspartic acid 397 with asparagine.
Molecular consequence: missense variant.
Genome position (GRCh38, 1-based): chr15:38,351,518, G>A. VCF-style: chr15-38351518-G-A. GRCh37 (hg19) VCF-style: chr15-38643719-G-A.
Other names: c.1189G>A (NM_152594.2); short protein forms D397N.
Identifiers: ClinVar variation 1022058 (VCV001022058.13), dbSNP rs1888488545, ClinGen allele CA391934482.